The following is an entry in ClinVar:

ClinVar aggregate classification (germline): Benign/Likely benign. Review status: criteria provided, multiple submitters, no conflicts (2 of 4 stars). 4 submissions from 4 submitters: Benign (1); Likely benign (2). 1 of the submissions does not count toward it. Last evaluated 2026-01-11.

Conditions:
Multiple endocrine neoplasia, type 1 (MEN1). Also called: MEN I; WERMER SYNDROME; Endocrine adenomatosis multiple; MEN 1; MEA I. Identifiers: Orphanet 652, MedGen C0025267, MeSH D018761, MONDO:0007540, OMIM 131100.
MEN1-related disorder. Also called: MEN1-related condition.
Hereditary cancer-predisposing syndrome. Also called: Neoplastic Syndromes, Hereditary; Tumor predisposition; Hereditary neoplastic syndrome; Hereditary Cancer Syndrome. Identifiers: Orphanet 140162, MedGen C0027672, MeSH D009386, MONDO:0015356.

Allele frequency attached by ClinVar (database versions not stated): gnomAD exomes below 0.00001.
gnomAD v4.1: 4 of 1,596,446 alleles (0.00025%); highest among the groups gnomAD compares: Non-Finnish European, 0.00034%; no homozygotes.

Submissions (4):

Labcorp Genetics (formerly Invitae), Labcorp
Classification: Likely benign for Multiple endocrine neoplasia, type 1. Last evaluated: 2026-01-11. Review status: criteria provided, single submitter. Criteria: Invitae Variant Classification Sherloc (09022015). Collection method: clinical testing. Allele origin: germline.

Myriad Genetics, Inc.
Classification: Benign for Multiple endocrine neoplasia, type 1. Last evaluated: 2024-11-05. Review status: criteria provided, single submitter. Criteria: Myriad Autosomal Dominant, Autosomal Recessive and X-Linked Classification Criteria (2023). Collection method: clinical testing. Allele origin: unknown.
Comment: This variant is considered benign. This variant is a silent/synonymous amino acid change and it is not expected to impact splicing.

Ambry Genetics
Classification: Likely benign for Hereditary cancer-predisposing syndrome. Last evaluated: 2023-08-28. Review status: criteria provided, single submitter. Criteria: Ambry Variant Classification Scheme 2023. Collection method: clinical testing. Allele origin: germline.

PreventionGenetics, part of Exact Sciences
Classification: Likely benign for MEN1-related condition. Last evaluated: 2022-03-11. Review status: no assertion criteria provided. Collection method: clinical testing. Allele origin: germline. Not counted in ClinVar's aggregate classification.
Comment: This variant is classified as likely benign based on ACMG/AMP sequence variant interpretation guidelines (Richards et al. 2015 PMID: 25741868, with internal and published modifications).

NM_001370259.2(MEN1):c.1494A>T (p.Pro498=)

Gene: MEN1 (menin 1; minus strand). Cytogenetic location: 11q13.1.
Variant type: single nucleotide variant.
Coding change: c.1494A>T on transcript NM_001370259.2 (MANE Select); coding-DNA position 1494, A replaced by T.
Protein change: p.Pro498=; no amino-acid change (proline 498 retained).
Molecular consequence: synonymous variant.
Genome position (GRCh38, 1-based): chr11:64,804,673, T>A on the plus strand (A>T on the coding strand, the complement: MEN1 is on the minus strand). VCF-style: chr11-64804673-T-A. GRCh37 (hg19) VCF-style: chr11-64572145-T-A.
Other names: c.1509A>T (NM_000244.3); c.1509A>T, p.Pro503= (NM_000244.4, NM_130800.3, NM_130801.3 and 3 more transcripts); c.1620A>T, p.Pro540= (NM_001370251.2); c.1494A>T, p.Pro498= (NM_001370260.2, NM_001370261.2, NM_130799.3); c.1389A>T, p.Pro463= (NM_001370262.2, NM_001370263.2).
Identifiers: ClinVar variation 527299 (VCV000527299.13), dbSNP rs1037335560, ClinGen allele CA223912004.